The following is an entry in ClinVar:

ClinVar aggregate classification (germline): Uncertain significance (1 of 4 stars; one submission).

Submission:

Labcorp Genetics (formerly Invitae), Labcorp
Classification: Uncertain significance. Last evaluated: 2022-11-07. Review status: criteria provided, single submitter. Criteria: Invitae Variant Classification Sherloc (09022015). Collection method: clinical testing. Allele origin: germline.
Comment: In summary, the available evidence is currently insufficient to determine the role of this variant in disease. Therefore, it has been classified as a Variant of Uncertain Significance. Algorithms developed to predict the effect of missense changes on protein structure and function (SIFT, PolyPhen-2, Align-GVGD) all suggest that this variant is likely to be tolerated. This variant has not been reported in the literature in individuals affected with COL9A2-related conditions. This variant is not present in population databases (gnomAD no frequency). This sequence change replaces glutamic acid, which is acidic and polar, with glycine, which is neutral and non-polar, at codon 282 of the COL9A2 protein (p.Glu282Gly).

NM_001852.4(COL9A2):c.845A>G (p.Glu282Gly)

Gene: COL9A2 (collagen type IX alpha 2 chain; minus strand). Cytogenetic location: 1p34.2.
Variant type: single nucleotide variant.
Coding change: c.845A>G on transcript NM_001852.4 (MANE Select); coding-DNA position 845, A replaced by G.
Protein change: p.Glu282Gly; replaces glutamic acid 282 with glycine.
Molecular consequence: missense variant.
Genome position (GRCh38, 1-based): chr1:40,309,939, T>C on the plus strand (A>G on the coding strand, the complement: COL9A2 is on the minus strand). VCF-style: chr1-40309939-T-C. GRCh37 (hg19) VCF-style: chr1-40775611-T-C.
Other names: short protein forms E282G.
Identifiers: ClinVar variation 2812525 (VCV002812525.3), dbSNP rs770075367, ClinGen allele CA339853582.
Genomic context (GRCh38, chr1:40,309,939, plus strand): 5'-TTGTCCTGCCCAGTACTCCCCAGGGGTCCTGACTGAACAATGGGTGCCTGAGGACTCACC[T>C]CGTCACCCTTCTCCCCAGCTCGGCCTGGCGGTCCCCTAGGACCTTCCTCACCCTGGCAAG-3'
Protein context (NP_001843.1, residues 272-292): PPGRAGEKGD[Glu282Gly]GSPGIRGPQG